The following is an entry in ClinVar:

ClinVar aggregate classification (germline): Likely pathogenic (1 of 4 stars; one submission).

Submission:

Labcorp Genetics (formerly Invitae), Labcorp
Classification: Likely pathogenic. Last evaluated: 2026-01-18. Review status: criteria provided, single submitter. Criteria: Invitae Variant Classification Sherloc (09022015). Collection method: clinical testing. Allele origin: germline.
Comment: This sequence change affects an acceptor splice site in intron 15 of the TBCD gene. It is expected to disrupt RNA splicing. Variants that disrupt the donor or acceptor splice site typically lead to a loss of protein function (PMID: 16199547), and loss-of-function variants in TBCD are known to be pathogenic (PMID: 27666370, 27666374). This variant is not present in population databases (gnomAD no frequency). This variant has not been reported in the literature in individuals affected with TBCD-related conditions. ClinVar contains an entry for this variant (Variation ID: 3643309). Algorithms developed to predict the effect of sequence changes on RNA splicing suggest that this variant may disrupt the consensus splice site. In summary, the currently available evidence indicates that the variant is pathogenic, but additional data are needed to prove that conclusively. Therefore, this variant has been classified as Likely Pathogenic.

Literature cited by the submitters: PubMed 16199547; PubMed 27666370; PubMed 27666374.

NM_005993.5(TBCD):c.1534-1G>A

Gene: TBCD (tubulin folding cofactor D). Cytogenetic location: 17q25.3.
Variant type: single nucleotide variant.
Coding change: c.1534-1G>A on transcript NM_005993.5 (MANE Select); the canonical splice acceptor site of the intron before coding-DNA position 1534, G replaced by A.
Molecular consequence: splice acceptor variant.
Genome position (GRCh38, 1-based): chr17:82,889,667, G>A. VCF-style: chr17-82889667-G-A. GRCh37 (hg19) VCF-style: chr17-80847543-G-A.
Other names: c.1534-1G>A (NM_001411102.1); c.1483-1G>A (NM_001411101.1).
Identifiers: ClinVar variation 3643309 (VCV003643309.2).